The following is an entry in ClinVar:

ClinVar aggregate classification (germline): Likely benign (0 of 4 stars; one submission).

Conditions:
CHD7-related disorder. Also called: CHD7-related condition.

Allele frequency attached by ClinVar (database versions not stated): gnomAD exomes below 0.00001.
gnomAD v4.1: 1 of 1,613,974 alleles (0.000062%); highest among the groups gnomAD compares: Non-Finnish European, 0.000085%; no homozygotes.

Submission:

PreventionGenetics, part of Exact Sciences
Classification: Likely benign for CHD7-related condition. Last evaluated: 2023-08-17. Review status: no assertion criteria provided. Collection method: clinical testing. Allele origin: germline.
Comment: This variant is classified as likely benign based on ACMG/AMP sequence variant interpretation guidelines (Richards et al. 2015 PMID: 25741868, with internal and published modifications).

NM_017780.4(CHD7):c.5190C>T (p.His1730=)

Gene: CHD7 (chromodomain helicase DNA binding protein 7; plus strand). Cytogenetic location: 8q12.2.
Variant type: single nucleotide variant.
Coding change: c.5190C>T on transcript NM_017780.4 (MANE Select); coding-DNA position 5190, C replaced by T.
Protein change: p.His1730=; no amino-acid change (histidine 1730 retained).
Molecular consequence: synonymous variant. On other transcripts: intron variant (1).
Genome position (GRCh38, 1-based): chr8:60,845,389, C>T. VCF-style: chr8-60845389-C-T. GRCh37 (hg19) VCF-style: chr8-61757948-C-T.
Other names: c.1717-16840C>T (NM_001316690.1).
Identifiers: ClinVar variation 3048098 (VCV003048098.2), dbSNP rs1481698349, ClinGen allele CA461104819.